The following is an entry in ClinVar:

NM_006265.3(RAD21):c.969G>C (p.Lys323Asn)

Gene: RAD21 (RAD21 cohesin complex component; minus strand). Cytogenetic location: 8q24.11.
Variant type: single nucleotide variant.
Coding change: c.969G>C on transcript NM_006265.3 (MANE Select); coding-DNA position 969, G replaced by C.
Protein change: p.Lys323Asn; replaces lysine 323 with asparagine.
Molecular consequence: missense variant.
Genome position (GRCh38, 1-based): chr8:116,854,437, C>G on the plus strand (G>C on the coding strand, the complement: RAD21 is on the minus strand). VCF-style: chr8-116854437-C-G. GRCh37 (hg19) VCF-style: chr8-117866676-C-G.
Other names: short protein forms K323N.
Identifiers: ClinVar variation 3393596 (VCV003393596.1).

ClinVar aggregate classification (germline): Uncertain significance (1 of 4 stars; one submission).

Submission:

GeneDx
Classification: Uncertain significance. Last evaluated: 2024-06-30. Review status: criteria provided, single submitter. Criteria: GeneDx Variant Classification Process June 2021. Collection method: clinical testing. Allele origin: germline. Affected: yes.
Comment: Not observed at significant frequency in large population cohorts (gnomAD); In silico analysis supports that this missense variant has a deleterious effect on protein structure/function; Has not been previously published as pathogenic or benign to our knowledge